The following is an entry in ClinVar:

ClinVar aggregate classification (germline): Uncertain significance (1 of 4 stars; one submission).

Submission:

Labcorp Genetics (formerly Invitae), Labcorp
Classification: Uncertain significance. Last evaluated: 2023-10-07. Review status: criteria provided, single submitter. Criteria: Invitae Variant Classification Sherloc (09022015). Collection method: clinical testing. Allele origin: germline.
Comment: This variant, c.2913_2915del, results in the deletion of 1 amino acid(s) of the KAT6A protein (p.Arg972del), but otherwise preserves the integrity of the reading frame. This variant is present in population databases (no rsID available, gnomAD 0.0009%). This variant has not been reported in the literature in individuals affected with KAT6A-related conditions. Experimental studies and prediction algorithms are not available or were not evaluated, and the functional significance of this variant is currently unknown. In summary, the available evidence is currently insufficient to determine the role of this variant in disease. Therefore, it has been classified as a Variant of Uncertain Significance.

NM_006766.5(KAT6A):c.2913_2915del (p.Arg972del)

Gene: KAT6A (lysine acetyltransferase 6A; minus strand). Cytogenetic location: 8p11.21.
Variant type: Deletion.
Coding change: c.2913_2915del on transcript NM_006766.5 (MANE Select); coding-DNA positions 2913 to 2915, 3 bases deleted (TCG; older notation c.2913_2915delTCG).
Protein change: p.Arg972del; deletes arginine 972.
Molecular consequence: inframe deletion.
Genome position (GRCh38, 1-based): chr8:41,940,966-41,940,968, CGA deleted on the plus strand (TCG on the coding strand, the reverse complement: KAT6A is on the minus strand); deleting any 3 consecutive bases within chr8:41,940,966-41,940,970 gives the same sequence; the c. name uses the placement nearest the transcript's 3' end. VCF-style (leftmost placement, unchanged base first): chr8-41940965-GCGA-G. GRCh37 (hg19) VCF-style: chr8-41798483-GCGA-G.
Other names: short protein forms R972del.
Identifiers: ClinVar variation 3008185 (VCV003008185.3), dbSNP rs1161123831, ClinGen allele CA581928339.
Genomic context (GRCh38, chr8:41,940,965, plus strand): 5'-CTCCTCCTCCTCGCTGCTCTCACTGAAGCCCCTGAGGACAGCCCTGTCACCCTCACTGTA[GCGA>G]CGGGGCAGCCTCTCACTTCCTTCTGTTAATCTGCACTTCAGAGCCTCAGGGCTTTTCTTG-3'